The following is an entry in ClinVar:

ClinVar aggregate classification (germline): Likely benign (1 of 4 stars; one submission).

Conditions:
Wilson disease (WND). Also called: Wilson's disease. Identifiers: Orphanet 905, MedGen C0019202, MONDO:0010200, OMIM 277900. Disease mechanism: loss of function.

Submission:

All of Us Research Program, National Institutes of Health
Classification: Likely benign for Wilson disease. Last evaluated: 2023-06-26. Review status: criteria provided, single submitter. Criteria: ACMG Guidelines, 2015. Collection method: clinical testing. Allele origin: germline. Inheritance: Autosomal recessive inheritance. Observed: 1 variant allele, 1 heterozygote.
Comment: This study involves interpretation of variants in research participants for the purpose of population health screening. Participant phenotype was not available at the time of variant classification. Additional details can be found in publication PMID: 35346344, PMCID: PMC8962531

NM_000053.4(ATP7B):c.1446C>G (p.Thr482=)

Gene: ATP7B (ATPase copper transporting beta; minus strand). Cytogenetic location: 13q14.3.
Variant type: single nucleotide variant.
Coding change: c.1446C>G on transcript NM_000053.4 (MANE Select); coding-DNA position 1446, C replaced by G.
Protein change: p.Thr482=; no amino-acid change (threonine 482 retained).
Molecular consequence: synonymous variant. On other transcripts: intron variant (1).
Genome position (GRCh38, 1-based): chr13:51,970,589, G>C on the plus strand (C>G on the coding strand, the complement: ATP7B is on the minus strand). VCF-style: chr13-51970589-G-C. GRCh37 (hg19) VCF-style: chr13-52544725-G-C.
Other names: c.1446C>G, p.Thr482= (NM_001406545.1, NM_001406546.1, NM_001406547.1 and 28 more transcripts); c.1285+3346C>G (NM_001406548.1); c.1350C>G, p.Thr450= (NM_001406536.1, NM_001406543.1, NM_001406544.1 and 3 more transcripts); c.1017C>G, p.Thr339= (NM_001406539.1); c.1113C>G, p.Thr371= (NM_001243182.2).
Identifiers: ClinVar variation 3071801 (VCV003071801.1), dbSNP rs780668506, ClinGen allele CA483897898.